The following is an entry in ClinVar:

NM_014391.3(ANKRD1):c.197G>A (p.Arg66Gln)

Gene: ANKRD1 (ankyrin repeat domain 1; minus strand). Cytogenetic location: 10q23.31.
Variant type: single nucleotide variant.
Coding change: c.197G>A on transcript NM_014391.3 (MANE Select); coding-DNA position 197, G replaced by A.
Protein change: p.Arg66Gln; replaces arginine 66 with glutamine.
Molecular consequence: missense variant.
Genome position (GRCh38, 1-based): chr10:90,920,179, C>T on the plus strand (G>A on the coding strand, the complement: ANKRD1 is on the minus strand). VCF-style: chr10-90920179-C-T. GRCh37 (hg19) VCF-style: chr10-92679936-C-T.
Other names: p.R66Q:CGA>CAA; short protein forms R66Q.
Identifiers: ClinVar variation 45628 (VCV000045628.63), dbSNP rs150797476, ClinGen allele CA136829.
Genomic context (GRCh38, chr10:90,920,179, plus strand): 5'-CCTACCCCAGCCCCAACATCCTACTAGTGGATTCCACAGATGGCTCTCACCTCTGCCTCT[C>T]GTTGTTTCTCGCTTTTCCACTGTTGCTCCCCCAGGGTCACAGGGTGGGCTAGAAGTGTCT-3'
Protein context (NP_055206.2, residues 56-76): GEQQWKSEKQ[Arg66Gln]EAELKKKKLE

ClinVar aggregate classification (germline): Conflicting classifications of pathogenicity. Review status: criteria provided, conflicting classifications (1 of 4 stars). 15 submissions from 15 submitters: Uncertain significance (3); Benign (1); Likely benign (7). 4 of the submissions do not count toward it. Last evaluated 2026-01-05.

Conditions:
Cardiovascular phenotype. Identifiers: MedGen CN230736.
Cardiomyopathy (CMYO). Also called: Cardiomyopathies. Identifiers: Orphanet 167848, MedGen C0878544, MONDO:0004994, HP:0001638. Inheritance: Various modes of inheritance.
ANKRD1-related dilated cardiomyopathy. Identifiers: MedGen CN119551.
Primary dilated cardiomyopathy (DCM). Also called: Dilated Cardiomyopathy. Identifiers: Orphanet 217604, MedGen C0007193, MeSH D002311, MONDO:0005021, HP:0001644. Inheritance: Various modes of inheritance.

Allele frequency attached by ClinVar (database versions not stated): 1000 Genomes Project 30x 0.00031; 1000 Genomes Project 0.00040; TOPMed 0.00056; gnomAD exomes 0.00065 and 0.00094; ESP Exome Variant Server 0.00069; gnomAD 0.00088 and 0.00092; ExAC 0.00096.
gnomAD v4.1: 1,088 of 1,613,780 alleles (0.067%); highest among the groups gnomAD compares: East Asian, 0.096%; no homozygotes.

Submissions (15):

Labcorp Genetics (formerly Invitae), Labcorp
Classification: Likely benign for ANKRD1-related dilated cardiomyopathy. Last evaluated: 2026-01-05. Review status: criteria provided, single submitter. Criteria: Invitae Variant Classification Sherloc (09022015). Collection method: clinical testing. Allele origin: germline.

Blueprint Genetics
Classification: Likely benign. Last evaluated: 2024-11-22. Review status: criteria provided, single submitter. Criteria: ACMG Guidelines, 2015. Collection method: clinical testing. Allele origin: germline.

CeGaT Center for Human Genetics Tuebingen
Classification: Likely benign. Last evaluated: 2023-02-01. Review status: criteria provided, single submitter. Criteria: CeGaT Center For Human Genetics Tuebingen Variant Classification Criteria Version 2. Collection method: clinical testing. Allele origin: germline. Affected: yes. Observed: 1 variant allele.
Comment: ANKRD1: BP4, BS1

GeneDx
Classification: Likely benign. Last evaluated: 2021-03-25. Review status: criteria provided, single submitter. Criteria: GeneDx Variant Classification Process June 2021. Collection method: clinical testing. Allele origin: germline. Affected: yes.
Comment: This variant is associated with the following publications: (PMID: 22337857, 19525294, 23861362, 24503780, 23299917)

CHEO Genetics Diagnostic Laboratory, Children's Hospital of Eastern Ontario
Classification: Benign for Cardiomyopathy. Last evaluated: 2018-04-25. Review status: criteria provided, single submitter. Criteria: ACMG Guidelines, 2015. Collection method: clinical testing. Allele origin: germline.

Ambry Genetics
Classification: Likely benign for Cardiovascular phenotype. Last evaluated: 2018-02-22. Review status: criteria provided, single submitter. Criteria: Ambry Variant Classification Scheme 2023. Collection method: clinical testing. Allele origin: germline.

Women's Health and Genetics/Laboratory Corporation of America, LabCorp
Classification: Likely benign. Last evaluated: 2017-07-31. Review status: criteria provided, single submitter. Criteria: LabCorp Variant Classification Summary - May 2015. Collection method: clinical testing. Allele origin: germline.
Comment: Variant summary: The ANKRD1 c.197G>A (p.Arg66Gln) variant involves the alteration of a non-conserved nucleotide, resulting in a missense change in the ankyrin repeat-containing domain (InterPro). 4/5 in silico tools predict benign outcome for this variant. This variant was found in 116/122204 control chromosomes (ExAC) at a frequency of 0.0009492, which is approximately 28 times the estimated maximal expected allele frequency of a pathogenic ANKRD1 variant (0.0000344), suggesting this variant is likely a benign polymorphism. In gnomAD, the variants allele frequency is 0.001079 (299/ 277022 chromosomes). This variant has been reported in one case who had family history of premature sudden deaths in first-degree relatives (Duboscq-Bidot_EJH_2009). Functional analysis in the same study showed a non-significant, mild effect on transcriptional repression was observed as well as a non-significant increase in cell area in cardiomyocytes, suggesting protein function is not significantly impacted by the variant. In ClinVar, while four clinical labs have classified it as uncertain significance, three have classified it as likely benign. Taken together, based on its allele frequency in general population and the possibility that it is likely to be a functional polymorphism rather than causal variant, this variant is classified as likely benign.

Illumina Laboratory Services, Illumina
Classification: Uncertain significance for Primary dilated cardiomyopathy. Last evaluated: 2017-04-27. Review status: criteria provided, single submitter. Criteria: ICSL Variant Classification Criteria 13 December 2019. Collection method: clinical testing. Allele origin: germline.
Comment: This variant was observed as part of a predisposition screen in an ostensibly healthy population. A literature search was performed for the gene, cDNA change, and amino acid change (where applicable). Publications were found based on this search. However, the evidence from the literature, in combination with allele frequency data from public databases where available, was not sufficient to rule this variant in or out of causing disease. Therefore, this variant is classified as a variant of unknown significance.

Eurofins Ntd Llc (ga)
Classification: Uncertain significance. Last evaluated: 2015-07-14. Review status: criteria provided, single submitter. Criteria: EGL Classification Definitions 2015. Collection method: clinical testing. Allele origin: germline. Observed: 2 variant alleles, 2 heterozygotes.

Laboratory for Molecular Medicine, Mass General Brigham Personalized Medicine
Classification: Uncertain significance. Last evaluated: 2015-05-19. Review status: criteria provided, single submitter. Criteria: LMM Criteria. Collection method: clinical testing. Allele origin: germline. Observed: 2 variant alleles.
Comment: proposed classification - variant undergoing re-assessment, contact laboratory

Biesecker Lab/Clinical Genomics Section, National Institutes of Health
Classification: Likely benign for Cardiomyopathy, dilated. Last evaluated: 2013-06-24. Review status: criteria provided, single submitter. Criteria: Ng et al. (Circ Cardiovasc Genet. 2013). Collection method: research. Allele origin: unknown. Observed: 1 variant allele. Study: ClinSeq.
Comment: The study set was not selected for affection status in relation to any cancer. Pathogenicity categories were based on literature curation. See Pubmed ID:23861362 for details.

Medical sequencing

Clinical Genetics DNA and cytogenetics Diagnostics Lab, Erasmus MC, Erasmus Medical Center
Classification: Likely benign. Review status: no assertion criteria provided. Collection method: clinical testing. Allele origin: germline. Affected: yes. Study: VKGL Data-share Consensus. Not counted in ClinVar's aggregate classification.

Clinical Genetics, Academic Medical Center
Classification: Benign. Review status: no assertion criteria provided. Collection method: clinical testing. Allele origin: germline. Affected: yes. Study: VKGL Data-share Consensus. Not counted in ClinVar's aggregate classification.

Genome Diagnostics Laboratory, University Medical Center Utrecht
Classification: Likely benign. Review status: no assertion criteria provided. Collection method: clinical testing. Allele origin: germline. Affected: yes. Study: VKGL Data-share Consensus. Not counted in ClinVar's aggregate classification.

Joint Genome Diagnostic Labs from Nijmegen and Maastricht, Radboudumc and MUMC+
Classification: Benign. Review status: no assertion criteria provided. Collection method: clinical testing. Allele origin: germline. Affected: yes. Study: VKGL Data-share Consensus. Not counted in ClinVar's aggregate classification.

Literature cited by the submitters: PubMed 19525294 (cited by 4 submitters); PubMed 23861362 (cited by 5 submitters); PubMed 24503780 (cited by Ambry Genetics); PubMed 23299917 (cited by 3 submitters); PubMed 22388920 (cited by Eurofins Ntd Llc (ga) and Laboratory for Molecular Medicine, Mass General Brigham Personalized Medicine); PubMed 22337857 (cited by Laboratory for Molecular Medicine, Mass General Brigham Personalized Medicine).